The following is an entry in ClinVar:

NM_006767.4(LZTR1):c.2229del (p.Phe743fs)

Gene: LZTR1 (leucine zipper like post translational regulator 1; plus strand). Cytogenetic location: 22q11.21.
Variant type: Deletion.
Coding change: c.2229del on transcript NM_006767.4 (MANE Select); coding-DNA position 2229, one base deleted (T; older notation c.2229delT).
Protein change: p.Phe743fs; shifts the reading frame from phenylalanine 743.
Molecular consequence: frameshift variant.
Genome position (GRCh38, 1-based): chr22:20,996,705, T deleted; the last of 3 consecutive T bases (chr22:20,996,703-20,996,705); deleting any one gives the same sequence. VCF-style (leftmost placement, unchanged base first): chr22-20996702-GT-G. GRCh37 (hg19) VCF-style: chr22-21350991-GT-G.
Other names: c.2229delT (NM_006767.3); short protein forms F743fs.
Identifiers: ClinVar variation 862940 (VCV000862940.13), dbSNP rs1924863769, ClinGen allele CA513699589.

ClinVar aggregate classification (germline): Pathogenic. Review status: criteria provided, multiple submitters, no conflicts (2 of 4 stars). 2 submissions from 2 submitters: Pathogenic (2). Last evaluated 2025-05-30.

Conditions:
Cardiovascular phenotype. Identifiers: MedGen CN230736.
Hereditary cancer-predisposing syndrome. Also called: Hereditary Cancer Syndrome; Tumor predisposition; Neoplastic Syndromes, Hereditary; Hereditary neoplastic syndrome. Identifiers: Orphanet 140162, MedGen C0027672, MeSH D009386, MONDO:0015356.

Submissions (2):

Ambry Genetics
Classification: Pathogenic for Cardiovascular phenotype; Hereditary cancer-predisposing syndrome. Last evaluated: 2025-05-30. Review status: criteria provided, single submitter. Criteria: Ambry Variant Classification Scheme 2023. Collection method: clinical testing. Allele origin: germline.
Comment: The c.2229delT pathogenic mutation, located in coding exon 19 of the LZTR1 gene, results from a deletion of one nucleotide at nucleotide position 2229, causing a translational frameshift with a predicted alternate stop codon (p.F743Lfs*24). This alteration is expected to result in loss of function by premature protein truncation or nonsense-mediated mRNA decay. Loss-of-function variants in LZTR1 are related to an increased risk for schwannomas and autosomal recessive Noonan syndrome; however, such associations with autosomal dominant Noonan syndrome have not been observed (Piotrowski A et al. Nat Genet. 2014 Feb;46:182-7; Yamamoto GL et al. J Med Genet. 2015 Jun;52:413-21; Johnston JJ et al. Genet Med. 2018 10;20:1175-1185). Based on the supporting evidence, this variant is pathogenic for an increased risk of LZTR1-related schwannomatosis (SWN) and would be expected to cause autosomal recessive Noonan syndrome when present along with a second pathogenic or likely pathogenic variant on the other allele; however, the association of this alteration with autosomal dominant Noonan syndrome is unlikely.

Labcorp Genetics (formerly Invitae), Labcorp
Classification: Pathogenic. Last evaluated: 2021-02-20. Review status: criteria provided, single submitter. Criteria: Invitae Variant Classification Sherloc (09022015). Collection method: clinical testing. Allele origin: germline.
Comment: This variant has not been reported in the literature in individuals with LZTR1-related conditions. ClinVar contains an entry for this variant (Variation ID: 862940). For these reasons, this variant has been classified as Pathogenic. This variant is not present in population databases (ExAC no frequency). This sequence change creates a premature translational stop signal (p.Phe743Leufs*24) in the LZTR1 gene. It is expected to result in an absent or disrupted protein product. Loss-of-function variants in LZTR1 are known to be pathogenic (PMID: 24362817, 25335493, 25480913, 29469822, 30442762, 30859559).

Literature cited by the submitters: PubMed 24362817 (cited by Labcorp Genetics (formerly Invitae), Labcorp); PubMed 25335493 (cited by Labcorp Genetics (formerly Invitae), Labcorp); PubMed 25480913 (cited by Labcorp Genetics (formerly Invitae), Labcorp); PubMed 29469822 (cited by Labcorp Genetics (formerly Invitae), Labcorp); PubMed 30442762 (cited by Labcorp Genetics (formerly Invitae), Labcorp); PubMed 30859559 (cited by Labcorp Genetics (formerly Invitae), Labcorp).